The following is an entry in ClinVar:

ClinVar aggregate classification (germline): Pathogenic. Review status: criteria provided, multiple submitters, no conflicts (2 of 4 stars). 2 submissions from 2 submitters: Pathogenic (2). Last evaluated 2026-05-25.

Conditions:
Glycogen storage disease type III (GSD3). Also called: Cori disease; FORBES DISEASE. Identifiers: Orphanet 366, MedGen C0017922, MONDO:0009291, OMIM 232400.

Submissions (2):

Myriad Genetics, Inc.
Classification: Pathogenic for Glycogen storage disease type III. Last evaluated: 2026-05-25. Review status: criteria provided, single submitter. Criteria: Myriad Autosomal Dominant, Autosomal Recessive and X-Linked Classification Criteria (2023). Collection method: clinical testing. Allele origin: unknown.
Comment: NM_000642.2(AGL):c.3374T>G(L1125*) is expected to be pathogenic in the context of glycogen storage disease type III. This variant is predicted to lead to an abnormal or absent protein product due to the creation of a premature termination codon in AGL, a gene where loss-of-function variants are known to be pathogenic. Please note: this variant was assessed in the context of healthy population screening.

Labcorp Genetics (formerly Invitae), Labcorp
Classification: Pathogenic for Glycogen storage disease type III. Last evaluated: 2021-07-30. Review status: criteria provided, single submitter. Criteria: Invitae Variant Classification Sherloc (09022015). Collection method: clinical testing. Allele origin: germline.
Comment: For these reasons, this variant has been classified as Pathogenic. This variant has not been reported in the literature in individuals affected with AGL-related conditions. This variant is not present in population databases (ExAC no frequency). This sequence change creates a premature translational stop signal (p.Leu1125*) in the AGL gene. It is expected to result in an absent or disrupted protein product. Loss-of-function variants in AGL are known to be pathogenic (PMID: 19299494).

Literature cited by the submitters: PubMed 19299494 (cited by Labcorp Genetics (formerly Invitae), Labcorp).

NM_000642.3(AGL):c.3374T>G (p.Leu1125Ter)

Gene: AGL (amylo-alpha-1,6-glucosidase and 4-alpha-glucanotransferase; plus strand). Cytogenetic location: 1p21.2.
Variant type: single nucleotide variant.
Coding change: c.3374T>G on transcript NM_000642.3 (MANE Select); coding-DNA position 3374, T replaced by G.
Protein change: p.Leu1125Ter; replaces leucine 1125 with a stop codon.
Molecular consequence: nonsense.
Genome position (GRCh38, 1-based): chr1:99,900,647, T>G. VCF-style: chr1-99900647-T-G. GRCh37 (hg19) VCF-style: chr1-100366203-T-G.
Other names: c.3374T>G, p.Leu1125Ter (NM_000028.3, NM_000643.3, NM_000644.3 and 1 more transcripts); c.3326T>G, p.Leu1109Ter (NM_000646.3); c.3353T>G, p.Leu1118Ter (NM_001425326.1); c.3173T>G, p.Leu1058Ter (NM_001425327.1); c.3170T>G, p.Leu1057Ter (NM_001425328.1); c.3035T>G, p.Leu1012Ter (NM_001425329.1); c.2996T>G, p.Leu999Ter (NM_001425332.1); short protein forms L1125*, L1109*, L1012*, L1057*, L1058*, L1118*, L999*.
Identifiers: ClinVar variation 1458871 (VCV001458871.7), dbSNP rs2100817917, ClinGen allele CA341330564.